The following is an entry in ClinVar:

NM_005475.3(SH2B3):c.1550G>A (p.Gly517Glu)

Gene: SH2B3 (SH2B adaptor protein 3; plus strand). Cytogenetic location: 12q24.12.
Variant type: single nucleotide variant.
Coding change: c.1550G>A on transcript NM_005475.3 (MANE Select); coding-DNA position 1550, G replaced by A.
Protein change: p.Gly517Glu; replaces glycine 517 with glutamic acid.
Molecular consequence: missense variant.
Genome position (GRCh38, 1-based): chr12:111,448,124, G>A. VCF-style: chr12-111448124-G-A. GRCh37 (hg19) VCF-style: chr12-111885928-G-A.
Other names: c.944G>A, p.Gly315Glu (NM_001291424.1); short protein forms G315E, G517E.
Identifiers: ClinVar variation 3795015 (VCV003795015.1).

ClinVar aggregate classification (germline): Uncertain significance (1 of 4 stars; one submission).

Conditions:
Inborn genetic diseases. Identifiers: MedGen C0950123, MeSH D030342.

gnomAD v4.1: 3 of 1,614,004 alleles (0.00019%); highest among the groups gnomAD compares: Non-Finnish European, 0.00025%; no homozygotes.

Submission:

Ambry Genetics
Classification: Uncertain significance for Inborn genetic diseases. Last evaluated: 2024-12-20. Review status: criteria provided, single submitter. Criteria: Ambry Variant Classification Scheme 2023. Collection method: clinical testing. Allele origin: germline.
Comment: The p.G517E variant (also known as c.1550G>A), located in coding exon 7 of the SH2B3 gene, results from a G to A substitution at nucleotide position 1550. The glycine at codon 517 is replaced by glutamic acid, an amino acid with similar properties. This amino acid position is conserved. In addition, this alteration is predicted to be tolerated by in silico analysis. Based on the available evidence, the clinical significance of this variant remains unclear.